The following is an entry in ClinVar:

NM_001164508.2(NEB):c.22500_22501del (p.Phe7500fs)

Genes: NEB (nebulin; minus strand), RIF1 (replication timing regulatory factor 1; plus strand). Cytogenetic location: 2q23.3.
Variant type: Deletion.
Coding change: c.22500_22501del on transcript NM_001164508.2 (MANE Select); coding-DNA positions 22500 to 22501, 2 bases deleted (CG; older notation c.22500_22501delCG).
Protein change: p.Phe7500fs; shifts the reading frame from phenylalanine 7500.
Molecular consequence: frameshift variant.
Genome position (GRCh38, 1-based): chr2:151,519,747-151,519,748, CG deleted on the plus strand (CG on the coding strand, the reverse complement: NEB is on the minus strand). VCF-style (leftmost placement, unchanged base first): chr2-151519746-TCG-T. GRCh37 (hg19) VCF-style: chr2-152376260-TCG-T.
Other names: c.22500_22501del, p.Phe7500fs (NM_001164507.2); c.22605_22606del, p.Phe7535fs (NM_001271208.2); c.17397_17398del, p.Phe5799fs (NM_004543.5); short protein forms F5799fs, F7500fs, F7535fs.
Identifiers: ClinVar variation 1725201 (VCV001725201.2), dbSNP rs2552093059, ClinGen allele CA2580063922.

ClinVar aggregate classification (germline): Likely pathogenic (1 of 4 stars; one submission).

Conditions:
Nemaline myopathy 2 (NEM2). Also called: Nemaline myopathy 2, autosomal recessive. Identifiers: MedGen C1850569, MONDO:0009725, OMIM 256030.

Submission:

Myriad Genetics, Inc.
Classification: Likely pathogenic for Nemaline myopathy 2. Last evaluated: 2022-03-14. Review status: criteria provided, single submitter. Criteria: Myriad Women's Health Autosomal Recessive and X-Linked Classification Criteria (2021). Collection method: clinical testing. Allele origin: unknown.
Comment: NM_001271208.1(NEB):c.22605_22606delCG(F7535Lfs*2) is expected to be pathogenic in the context of NEB-related nemaline myopathy. This variant is predicted to lead to an abnormal or absent protein product due to the creation of a premature termination codon in NEB, a gene where loss-of-function variants are known to be pathogenic. Please note: this variant was assessed in the context of healthy population screening.